The following is an entry in ClinVar:

ClinVar aggregate classification (germline): Uncertain significance (1 of 4 stars; one submission).

Conditions:
Hereditary cancer-predisposing syndrome. Also called: Neoplastic Syndromes, Hereditary; Tumor predisposition; Hereditary neoplastic syndrome; Hereditary Cancer Syndrome. Identifiers: Orphanet 140162, MedGen C0027672, MeSH D009386, MONDO:0015356.

Submission:

Ambry Genetics
Classification: Uncertain significance for Hereditary cancer-predisposing syndrome. Last evaluated: 2019-02-20. Review status: criteria provided, single submitter. Criteria: Ambry Variant Classification Scheme 2023. Collection method: clinical testing. Allele origin: germline.
Comment: The p.K1530Q variant (also known as c.4588A>C), located in coding exon 13 of the BRCA1 gene, results from an A to C substitution at nucleotide position 4588. The lysine at codon 1530 is replaced by glutamine, an amino acid with similar properties. This amino acid position is not well conserved in available vertebrate species. In addition, the in silico prediction for this alteration is inconclusive. Since supporting evidence is limited at this time, the clinical significance of this alteration remains unclear.

NM_007294.4(BRCA1):c.4588A>C (p.Lys1530Gln)

Gene: BRCA1 (BRCA1 DNA repair associated; minus strand). Cytogenetic location: 17q21.31.
Variant type: single nucleotide variant.
Coding change: c.4588A>C on transcript NM_007294.4 (MANE Select); coding-DNA position 4588, A replaced by C.
Protein change: p.Lys1530Gln; replaces lysine 1530 with glutamine.
Molecular consequence: missense variant. On other transcripts: non-coding transcript variant (1).
Genome position (GRCh38, 1-based): chr17:43,074,418, T>G on the plus strand (A>C on the coding strand, the complement: BRCA1 is on the minus strand). VCF-style: chr17-43074418-T-G. GRCh37 (hg19) VCF-style: chr17-41226435-T-G.
Other names: c.4375A>C, p.Lys1459Gln (NM_001407571.1, NM_001407894.1, NM_001407895.1 and 12 more transcripts); c.4654A>C, p.Lys1552Gln (NM_001407581.1, NM_001407582.1); c.4651A>C, p.Lys1551Gln (NM_001407583.1, NM_001407585.1, NM_001407587.1 and 1 more transcripts); c.4648A>C, p.Lys1550Gln (NM_001407590.1, NM_001407591.1); c.4588A>C, p.Lys1530Gln (NM_001407593.1, NM_001407594.1, NM_001407596.1 and 8 more transcripts); c.4585A>C, p.Lys1529Gln (NM_001407610.1, NM_001407611.1, NM_001407612.1 and 17 more transcripts); c.4582A>C, p.Lys1528Gln (NM_001407627.1, NM_001407628.1, NM_001407629.1 and 14 more transcripts); c.4579A>C, p.Lys1527Gln (NM_001407644.1, NM_001407645.1); and 68 more; short protein forms K1530Q, K1551Q, K426Q, K1483Q, K1401Q, K1460Q, K1489Q, K1525Q.
Identifiers: ClinVar variation 825018 (VCV000825018.5), dbSNP rs764016240, ClinGen allele CA10592337.